The following is an entry in ClinVar:

NM_000642.3(AGL):c.4481+3A>T

Gene: AGL (amylo-alpha-1,6-glucosidase and 4-alpha-glucanotransferase; plus strand). Cytogenetic location: 1p21.2.
Variant type: single nucleotide variant.
Coding change: c.4481+3A>T on transcript NM_000642.3 (MANE Select); 3 bases into the intron after coding-DNA position 4481, A replaced by T.
Molecular consequence: intron variant.
Genome position (GRCh38, 1-based): chr1:99,916,734, A>T. VCF-style: chr1-99916734-A-T. GRCh37 (hg19) VCF-style: chr1-100382290-A-T.
Other names: c.4481+3A>T (NM_000643.3, NM_000644.3, NM_001425325.1 and 1 more transcripts); c.4433+3A>T (NM_000646.3); c.4460+3A>T (NM_001425326.1); c.4280+3A>T (NM_001425327.1); c.4277+3A>T (NM_001425328.1); c.4142+3A>T (NM_001425329.1); c.4103+3A>T (NM_001425332.1).
Identifiers: ClinVar variation 1377840 (VCV001377840.1), dbSNP rs953882029, ClinGen allele CA27560536.

ClinVar aggregate classification (germline): Uncertain significance (1 of 4 stars; one submission).

Conditions:
Glycogen storage disease type III (GSD3). Also called: Cori disease; FORBES DISEASE. Identifiers: Orphanet 366, MedGen C0017922, MONDO:0009291, OMIM 232400.

Allele frequency attached by ClinVar (database versions not stated): gnomAD exomes below 0.00001.
gnomAD v4.1: 2 of 1,612,922 alleles (0.00012%); highest among the groups gnomAD compares: Admixed American, 0.0017%; no homozygotes.

Submission:

Labcorp Genetics (formerly Invitae), Labcorp
Classification: Uncertain significance for Glycogen storage disease type III. Last evaluated: 2021-02-23. Review status: criteria provided, single submitter. Criteria: Invitae Variant Classification Sherloc (09022015). Collection method: clinical testing. Allele origin: germline.
Comment: This sequence change falls in intron 33 of the AGL gene. It does not directly change the encoded amino acid sequence of the AGL protein. It affects a nucleotide within the consensus splice site of the intron. This variant is not present in population databases (ExAC no frequency). This variant has not been reported in the literature in individuals with AGL-related conditions. Nucleotide substitutions within the consensus splice site are a relatively common cause of aberrant splicing (PMID: 17576681, 9536098). Algorithms developed to predict the effect of sequence changes on RNA splicing suggest that this variant may disrupt the consensus splice site, but this prediction has not been confirmed by published transcriptional studies. In summary, the available evidence is currently insufficient to determine the role of this variant in disease. Therefore, it has been classified as a Variant of Uncertain Significance.

Literature cited by the submitters: PubMed 17576681; PubMed 9536098.